The following is an entry in ClinVar:

ClinVar aggregate classification (germline): Likely benign (1 of 4 stars; one submission).

Submission:

CeGaT Center for Human Genetics Tuebingen
Classification: Likely benign. Last evaluated: 2025-01-01. Review status: criteria provided, single submitter. Criteria: CeGaT Center For Human Genetics Tuebingen Variant Classification Criteria Version 2. Collection method: clinical testing. Allele origin: germline. Affected: yes. Observed: 1 variant allele.
Comment: SULT1C4: BP4, BP7

NM_006588.4(SULT1C4):c.321C>G (p.Pro107=)

Gene: SULT1C4 (sulfotransferase family 1C member 4; plus strand). Cytogenetic location: 2q12.3.
Variant type: single nucleotide variant.
Coding change: c.321C>G on transcript NM_006588.4 (MANE Select); coding-DNA position 321, C replaced by G.
Protein change: p.Pro107=; no amino-acid change (proline 107 retained).
Molecular consequence: synonymous variant. On other transcripts: intron variant (1).
Genome position (GRCh38, 1-based): chr2:108,382,410, C>G. VCF-style: chr2-108382410-C-G. GRCh37 (hg19) VCF-style: chr2-108998866-C-G.
Other names: c.295+523C>G (NM_001321770.2).
Identifiers: ClinVar variation 3771667 (VCV003771667.13).